The following is an entry in ClinVar:

NM_001195.5(BFSP1):c.981T>C (p.Thr327=)

Gene: BFSP1 (beaded filament structural protein 1; minus strand). Cytogenetic location: 20p12.1.
Variant type: single nucleotide variant.
Coding change: c.981T>C on transcript NM_001195.5 (MANE Select); coding-DNA position 981, T replaced by C.
Protein change: p.Thr327=; no amino-acid change (threonine 327 retained).
Molecular consequence: synonymous variant.
Genome position (GRCh38, 1-based): chr20:17,496,999, A>G on the plus strand (T>C on the coding strand, the complement: BFSP1 is on the minus strand). VCF-style: chr20-17496999-A-G. GRCh37 (hg19) VCF-style: chr20-17477644-A-G.
Other names: c.606T>C, p.Thr202= (NM_001161705.2); c.564T>C, p.Thr188= (NM_001278606.2, NM_001278608.2); c.648T>C, p.Thr216= (NM_001278607.2); c.873T>C, p.Thr291= (NM_001424338.1).
Identifiers: ClinVar variation 4982400 (VCV004982400.1).

ClinVar aggregate classification (germline): Likely benign (1 of 4 stars; one submission).

Conditions:
BFSP1-related disorder. Also called: BFSP1-related condition.

gnomAD v4.1: 7 of 1,541,708 alleles (0.00045%); highest among the groups gnomAD compares: Admixed American, 0.0021%; no homozygotes.

Submission:

PreventionGenetics, part of Exact Sciences
Classification: Likely benign for BFSP1-related condition. Last evaluated: 2025-08-04. Review status: criteria provided, single submitter. Criteria: ACMG Guidelines, 2015. Collection method: clinical testing. Allele origin: germline.
Comment: This variant is classified as likely benign based on ACMG/AMP sequence variant interpretation guidelines (Richards et al. 2015 PMID: 25741868, with internal and published modifications).